The following is an entry in ClinVar:

ClinVar aggregate classification (germline): Pathogenic/Likely pathogenic. Review status: criteria provided, multiple submitters, no conflicts (2 of 4 stars). 3 submissions from 3 submitters: Pathogenic (1); Likely pathogenic (2). Last evaluated 2024-06-03.

Conditions:
Amyotrophic lateral sclerosis type 1 (ALS1). Also called: AMYOTROPHIC LATERAL SCLEROSIS 1, FAMILIAL. Identifiers: Orphanet 803, MedGen C1862939, MONDO:0007103, OMIM 105400.

Submissions (3):

Labcorp Genetics (formerly Invitae), Labcorp
Classification: Likely pathogenic for Amyotrophic lateral sclerosis type 1. Last evaluated: 2024-06-03. Review status: criteria provided, single submitter. Criteria: Invitae Variant Classification Sherloc (09022015). Collection method: clinical testing. Allele origin: germline.
Comment: This sequence change replaces threonine, which is neutral and polar, with isoleucine, which is neutral and non-polar, at codon 138 of the SOD1 protein (p.Thr138Ile). This variant is not present in population databases (gnomAD no frequency). This variant has not been reported in the literature in individuals affected with SOD1-related conditions. ClinVar contains an entry for this variant (Variation ID: 1163753). Advanced modeling of protein sequence and biophysical properties (such as structural, functional, and spatial information, amino acid conservation, physicochemical variation, residue mobility, and thermodynamic stability) performed at Invitae indicates that this missense variant is expected to disrupt SOD1 protein function with a positive predictive value of 95%. This variant disrupts the p.Thr138 amino acid residue in SOD1. Other variant(s) that disrupt this residue have been determined to be pathogenic (PMID: 20472325, 21574856, 22632445, 27154192). This suggests that this residue is clinically significant, and that variants that disrupt this residue are likely to be disease-causing. In summary, the currently available evidence indicates that the variant is pathogenic, but additional data are needed to prove that conclusively. Therefore, this variant has been classified as Likely Pathogenic.

Mendelics
Classification: Pathogenic for Amyotrophic lateral sclerosis type 1. Last evaluated: 2022-05-04. Review status: criteria provided, single submitter. Criteria: Mendelics Assertion Criteria 2019. Collection method: clinical testing. Allele origin: germline.

Mayo Clinic Laboratories, Mayo Clinic
Classification: Likely pathogenic. Last evaluated: 2020-09-08. Review status: criteria provided, single submitter. Criteria: ACMG Guidelines, 2015. Collection method: clinical testing. Allele origin: germline. Observed: 1 variant allele.
Comment: PM2, PM5, PM1, PP3, PP1

Literature cited by the submitters: PubMed 20472325 (cited by Labcorp Genetics (formerly Invitae), Labcorp); PubMed 21574856 (cited by Labcorp Genetics (formerly Invitae), Labcorp); PubMed 22632445 (cited by Labcorp Genetics (formerly Invitae), Labcorp); PubMed 27154192 (cited by Labcorp Genetics (formerly Invitae), Labcorp).

NM_000454.5(SOD1):c.413C>T (p.Thr138Ile)

Gene: SOD1 (superoxide dismutase 1; plus strand). Cytogenetic location: 21q22.11.
Variant type: single nucleotide variant.
Coding change: c.413C>T on transcript NM_000454.5 (MANE Select); coding-DNA position 413, C replaced by T.
Protein change: p.Thr138Ile; replaces threonine 138 with isoleucine.
Molecular consequence: missense variant.
Genome position (GRCh38, 1-based): chr21:31,668,526, C>T. VCF-style: chr21-31668526-C-T. GRCh37 (hg19) VCF-style: chr21-33040839-C-T.
Other names: short protein forms T138I.
Identifiers: ClinVar variation 1163753 (VCV001163753.14), dbSNP rs1568811454, ClinGen allele CA410037753.